The following is an entry in ClinVar:

ClinVar aggregate classification (germline): Benign/Likely benign. Review status: criteria provided, multiple submitters, no conflicts (2 of 4 stars). 3 submissions from 3 submitters: Benign (1); Likely benign (2). Last evaluated 2026-09-01.

Conditions:
Ehlers-Danlos syndrome, classic type, 1 (EDSCL1). Also called: Ehlers-Danlos Syndrome, Classic Type, COL5A1-Related; EHLERS-DANLOS SYNDROME, GRAVIS TYPE; EHLERS-DANLOS SYNDROME, SEVERE CLASSIC TYPE; EDS I; Ehlers-Danlos syndrome, type 1. Identifiers: MedGen C0268335, MONDO:0019567, OMIM 130000.

Allele frequency attached by ClinVar (database versions not stated): ExAC 0.00003; gnomAD exomes 0.00003; gnomAD 0.00005; TOPMed 0.00009.
gnomAD v4.1: 99 of 1,614,208 alleles (0.0061%); highest among the groups gnomAD compares: Non-Finnish European, 0.0067%; 1 homozygote.

Submissions (3):

CeGaT Center for Human Genetics Tuebingen
Classification: Likely benign. Last evaluated: 2026-09-01. Review status: criteria provided, single submitter. Criteria: CeGaT Center For Human Genetics Tuebingen Variant Classification Criteria Version 2. Collection method: clinical testing. Allele origin: germline. Affected: yes. Observed: 2 variant alleles.
Comment: COL5A1: BP4, BS2

Labcorp Genetics (formerly Invitae), Labcorp
Classification: Benign for Ehlers-Danlos syndrome, classic type, 1. Last evaluated: 2025-09-14. Review status: criteria provided, single submitter. Criteria: Invitae Variant Classification Sherloc (09022015). Collection method: clinical testing. Allele origin: germline.

Institute for Clinical Genetics, University Hospital TU Dresden, University Hospital TU Dresden
Classification: Likely benign. Last evaluated: 2021-11-03. Review status: criteria provided, single submitter. Criteria: ACMG Guidelines, 2015. Collection method: clinical testing. Allele origin: germline.

NM_000093.5(COL5A1):c.1228C>T (p.Arg410Trp)

Gene: COL5A1 (collagen type V alpha 1 chain; plus strand). Cytogenetic location: 9q34.3.
Variant type: single nucleotide variant.
Coding change: c.1228C>T on transcript NM_000093.5 (MANE Select); coding-DNA position 1228, C replaced by T.
Protein change: p.Arg410Trp; replaces arginine 410 with tryptophan.
Molecular consequence: missense variant.
Genome position (GRCh38, 1-based): chr9:134,731,559, C>T. VCF-style: chr9-134731559-C-T. GRCh37 (hg19) VCF-style: chr9-137623405-C-T.
Other names: c.1228C>T, p.Arg410Trp (NM_001278074.1); short protein forms R410W.
Identifiers: ClinVar variation 647094 (VCV000647094.21), dbSNP rs745360062, ClinGen allele CA5318683.